The following is an entry in ClinVar:

NM_001300.6(KLF6):c.493G>A (p.Val165Met)

Gene: KLF6 (KLF transcription factor 6; minus strand). Cytogenetic location: 10p15.2.
Variant type: single nucleotide variant.
Coding change: c.493G>A on transcript NM_001300.6 (MANE Select); coding-DNA position 493, G replaced by A.
Protein change: p.Val165Met; replaces valine 165 with methionine.
Molecular consequence: missense variant. On other transcripts: non-coding transcript variant (1).
Genome position (GRCh38, 1-based): chr10:3,781,824, C>T on the plus strand (G>A on the coding strand, the complement: KLF6 is on the minus strand). VCF-style: chr10-3781824-C-T. GRCh37 (hg19) VCF-style: chr10-3824016-C-T.
Other names: c.493G>A, p.Val165Met (NM_001160124.2, NM_001160125.2); short protein forms V165M.
Identifiers: ClinVar variation 134634 (VCV000134634.5), dbSNP rs61731927, ClinGen allele CA160387.

ClinVar aggregate classification (germline): Benign. Review status: criteria provided, multiple submitters, no conflicts (2 of 4 stars). 3 submissions from 3 submitters: Benign (2). 1 of the submissions does not count toward it. Last evaluated 2018-05-17.

Allele frequency attached by ClinVar (database versions not stated): 1000 Genomes Project 30x 0.02061; TOPMed 0.01588; gnomAD 0.01573 and 0.01482; 1000 Genomes Project 0.01877; ExAC 0.00483; ESP Exome Variant Server 0.01861.
gnomAD v4.1: 4,570 of 1,614,200 alleles (0.28%); highest among the groups gnomAD compares: African/African-American, 5.1%; 114 homozygotes.

Submissions (3):

Labcorp Genetics (formerly Invitae), Labcorp
Classification: Benign. Last evaluated: 2018-05-17. Review status: criteria provided, single submitter. Criteria: Invitae Variant Classification Sherloc (09022015). Collection method: clinical testing. Allele origin: germline.

Breakthrough Genomics
Classification: Benign. Review status: criteria provided, single submitter. Criteria: ACMG Guidelines, 2015. Collection method: not provided. Allele origin: germline. Inheritance: Autosomal dominant inheritance. Affected: yes.

ITMI
No classification provided. Condition: AllHighlyPenetrant. Last evaluated: 2013-09-19. Review status: no classification provided. Collection method: reference population. Allele origin: germline. Not counted in ClinVar's aggregate classification.
Comment: Please see associated publication for description of ethnicities

Literature cited by the submitters: PubMed 24728327 (cited by ITMI).